The following is an entry in ClinVar:

ClinVar aggregate classification (germline): Conflicting classifications of pathogenicity. Review status: criteria provided, conflicting classifications (1 of 4 stars). 2 submissions from 2 submitters: Likely pathogenic (1); Uncertain significance (1). Last evaluated 2024-03-13.

Allele frequency attached by ClinVar (database versions not stated): ExAC 0.00001; gnomAD exomes 0.00002; TOPMed 0.00002; gnomAD 0.00004; 1000 Genomes Project 30x 0.00031.
gnomAD v4.1: 34 of 1,610,432 alleles (0.0021%); highest among the groups gnomAD compares: African/African-American, 0.0067%; no homozygotes.

Submissions (2):

GeneDx
Classification: Likely pathogenic. Last evaluated: 2024-03-13. Review status: criteria provided, single submitter. Criteria: GeneDx Variant Classification Process June 2021. Collection method: clinical testing. Allele origin: germline. Affected: yes.
Comment: Not observed at significant frequency in large population cohorts (gnomAD); In silico analysis supports that this missense variant has a deleterious effect on protein structure/function; This variant is associated with the following publications: (PMID: 33314043, Inoue2023[casereport])

Women's Health and Genetics/Laboratory Corporation of America, LabCorp
Classification: Uncertain significance. Last evaluated: 2023-05-15. Review status: criteria provided, single submitter. Criteria: LabCorp Variant Classification Summary - May 2015. Collection method: clinical testing. Allele origin: germline.
Comment: Variant summary: LARS1 c.1283C>T (p.Pro428Leu) results in a non-conservative amino acid change located in the Aminoacyl-tRNA synthetase, class Ia domain (IPR002300) of the encoded protein sequence. Three of five in-silico tools predict a benign effect of the variant on protein function. 4/4 computational tools predict no significant impact on normal splicing. However, these predictions have yet to be confirmed by functional studies. The variant allele was found at a frequency of 7.1e-06 in 282154 control chromosomes (gnomAD). The available data on variant occurrences in the general population are insufficient to allow any conclusion about variant significance. c.1283C>T has been reported in the literature in an individual affected with Infantile Liver Failure Syndrome 1 (example: Tabolacci_2021). These data do not allow any conclusion about variant significance. At least one publication reports experimental evidence evaluating an impact on protein function. The most pronounced variant effect results in >50%-90% of normal activity (example: Tabolacci_2021). The following publication has been ascertained in the context of this evaluation (PMID: 33314043). No clinical diagnostic laboratories have submitted clinical-significance assessments for this variant to ClinVar after 2014. Based on the evidence outlined above, the variant was classified as uncertain significance.

Literature cited by the submitters: PubMed 33314043 (cited by Women's Health and Genetics/Laboratory Corporation of America, LabCorp).

NM_020117.11(LARS1):c.1283C>T (p.Pro428Leu)

Gene: LARS1 (leucyl-tRNA synthetase 1; minus strand). Cytogenetic location: 5q32.
Variant type: single nucleotide variant.
Coding change: c.1283C>T on transcript NM_020117.11 (MANE Select); coding-DNA position 1283, C replaced by T.
Protein change: p.Pro428Leu; replaces proline 428 with leucine.
Molecular consequence: missense variant.
Genome position (GRCh38, 1-based): chr5:146,153,175, G>A on the plus strand (C>T on the coding strand, the complement: LARS1 is on the minus strand). VCF-style: chr5-146153175-G-A. GRCh37 (hg19) VCF-style: chr5-145532738-G-A.
Other names: c.1145C>T, p.Pro382Leu (NM_001317964.2); c.1121C>T, p.Pro374Leu (NM_001317965.2); c.1202C>T, p.Pro401Leu (NM_016460.4); c.1283C>T (NM_020117.9); short protein forms P374L, P382L, P401L, P428L.
Identifiers: ClinVar variation 2506038 (VCV002506038.2), dbSNP rs746121910, ClinGen allele CA3489675.